The following is an entry in ClinVar:

ClinVar aggregate classification (germline): Benign (1 of 4 stars; one submission).

Conditions:
Papillary renal cell carcinoma type 1 (RCCP1). Also called: Renal adenocarcinoma; Renal cell carcinoma 1; Renal cell carcinoma, somatic; RENAL CELL CARCINOMA, PAPILLARY, 1, SOMATIC. Identifiers: Orphanet 47044, MedGen C1336839, OMIM 605074, HP:0011797.

gnomAD v4.1: 2 of 1,614,154 alleles (0.00012%); highest among the groups gnomAD compares: East Asian, 0.0022%; no homozygotes.

Submission:

Myriad Genetics, Inc.
Classification: Benign for Papillary renal cell carcinoma type 1. Last evaluated: 2024-11-15. Review status: criteria provided, single submitter. Criteria: Myriad Autosomal Dominant, Autosomal Recessive and X-Linked Classification Criteria (2023). Collection method: clinical testing. Allele origin: unknown.
Comment: This variant is considered benign. This variant is a silent/synonymous amino acid change and it is not expected to impact splicing.

NM_000245.4(MET):c.4152C>T (p.Ala1384=)

Gene: MET (MET proto-oncogene, receptor tyrosine kinase; plus strand). Cytogenetic location: 7q31.2.
Variant type: single nucleotide variant.
Coding change: c.4152C>T on transcript NM_000245.4 (MANE Select); coding-DNA position 4152, C replaced by T.
Protein change: p.Ala1384=; no amino-acid change (alanine 1384 retained).
Molecular consequence: synonymous variant.
Genome position (GRCh38, 1-based): chr7:116,796,103, C>T. VCF-style: chr7-116796103-C-T. GRCh37 (hg19) VCF-style: chr7-116436157-C-T.
Other names: c.4206C>T, p.Ala1402= (NM_001127500.3); c.2862C>T, p.Ala954= (NM_001324402.2).
Identifiers: ClinVar variation 3773128 (VCV003773128.1).